The following is an entry in ClinVar:

ClinVar aggregate classification (germline): Likely benign (1 of 4 stars; one submission).

Submission:

CeGaT Center for Human Genetics Tuebingen
Classification: Likely benign. Last evaluated: 2024-10-01. Review status: criteria provided, single submitter. Criteria: CeGaT Center For Human Genetics Tuebingen Variant Classification Criteria Version 2. Collection method: clinical testing. Allele origin: germline. Affected: yes. Observed: 1 variant allele.
Comment: MUC5B: BP4, BS1

NM_002458.3(MUC5B):c.7882C>A (p.Arg2628Ser)

Genes: MUC5B (mucin 5B, oligomeric mucus/gel-forming; plus strand), MUC5B-AS1 (MUC5B antisense RNA 1; minus strand). Cytogenetic location: 11p15.5.
Variant type: single nucleotide variant.
Coding change: c.7882C>A on transcript NM_002458.3 (MANE Select); coding-DNA position 7882, C replaced by A.
Protein change: p.Arg2628Ser; replaces arginine 2628 with serine.
Molecular consequence: missense variant.
Genome position (GRCh38, 1-based): chr11:1,244,762, C>A. VCF-style: chr11-1244762-C-A. GRCh37 (hg19) VCF-style: chr11-1265992-C-A.
Other names: short protein forms R2628S.
Identifiers: ClinVar variation 3387991 (VCV003387991.14).